The following is an entry in ClinVar:

NM_002088.5(GRIK5):c.1426G>A (p.Glu476Lys)

Gene: GRIK5 (glutamate ionotropic receptor kainate type subunit 5; minus strand). Cytogenetic location: 19q13.2.
Variant type: single nucleotide variant.
Coding change: c.1426G>A on transcript NM_002088.5 (MANE Select); coding-DNA position 1426, G replaced by A.
Protein change: p.Glu476Lys; replaces glutamic acid 476 with lysine.
Molecular consequence: missense variant.
Genome position (GRCh38, 1-based): chr19:42,042,599, C>T on the plus strand (G>A on the coding strand, the complement: GRIK5 is on the minus strand). VCF-style: chr19-42042599-C-T. GRCh37 (hg19) VCF-style: chr19-42546751-C-T.
Other names: c.1426G>A, p.Glu476Lys (NM_001301030.2); short protein forms E476K.
Identifiers: ClinVar variation 2634879 (VCV002634879.1), dbSNP rs2514270071, ClinGen allele CA406060240.

ClinVar aggregate classification (germline): Uncertain significance (1 of 4 stars; one submission).

Conditions:
GRIK5-related disorder. Also called: GRIK5-related condition.

Allele frequency attached by ClinVar (database versions not stated): gnomAD exomes below 0.00001.
gnomAD v4.1: 4 of 1,612,404 alleles (0.00025%); highest among the groups gnomAD compares: Non-Finnish European, 0.00025%; no homozygotes.

Submission:

PreventionGenetics, part of Exact Sciences
Classification: Uncertain significance for GRIK5-related condition. Last evaluated: 2022-11-10. Review status: criteria provided, single submitter. Criteria: ACMG Guidelines, 2015. Collection method: clinical testing. Allele origin: germline.
Comment: The GRIK5 c.1426G>A variant is predicted to result in the amino acid substitution p.Glu476Lys. To our knowledge, this variant has not been reported in the literature or in a large population database, indicating this variant is rare. At this time, the clinical significance of this variant is uncertain due to the absence of conclusive functional and genetic evidence.